The following is an entry in ClinVar:

ClinVar aggregate classification (germline): Conflicting classifications of pathogenicity. Review status: criteria provided, conflicting classifications (1 of 4 stars). 4 submissions from 4 submitters: Uncertain significance (1); Benign (1); Likely benign (2). Last evaluated 2024-08-01.

Conditions:
Hereditary cancer-predisposing syndrome. Also called: Hereditary Cancer Syndrome; Hereditary neoplastic syndrome; Neoplastic Syndromes, Hereditary; Tumor predisposition. Identifiers: Orphanet 140162, MedGen C0027672, MeSH D009386, MONDO:0015356.
Juvenile polyposis syndrome (JPS). Identifiers: Orphanet 2929, MedGen C0345893, MONDO:0017380, OMIM 174900.

Allele frequency attached by ClinVar (database versions not stated): gnomAD exomes below 0.00001.
gnomAD v4.1: 2 of 1,614,020 alleles (0.00012%); highest among the groups gnomAD compares: East Asian, 0.0022%; no homozygotes.

Submissions (4):

Myriad Genetics, Inc.
Classification: Benign for Juvenile polyposis syndrome. Last evaluated: 2024-08-01. Review status: criteria provided, single submitter. Criteria: Myriad Autosomal Dominant, Autosomal Recessive and X-Linked Classification Criteria (2023). Collection method: clinical testing. Allele origin: unknown.
Comment: This variant is considered benign. This variant is a silent/synonymous amino acid change and it is not expected to impact splicing.

Labcorp Genetics (formerly Invitae), Labcorp
Classification: Likely benign for Juvenile polyposis syndrome. Last evaluated: 2024-05-06. Review status: criteria provided, single submitter. Criteria: Invitae Variant Classification Sherloc (09022015). Collection method: clinical testing. Allele origin: germline.

Color Diagnostics, LLC DBA Color Health
Classification: Likely benign for Hereditary cancer-predisposing syndrome. Last evaluated: 2022-10-10. Review status: criteria provided, single submitter. Criteria: ACMG Guidelines, 2015. Collection method: clinical testing. Allele origin: germline.

Quest Diagnostics Nichols Institute San Juan Capistrano
Classification: Uncertain significance. Last evaluated: 2020-12-03. Review status: criteria provided, single submitter. Criteria: Quest Diagnostics criteria. Collection method: clinical testing. Allele origin: unknown.

NM_004329.3(BMPR1A):c.603A>G (p.Pro201=)

Gene: BMPR1A (bone morphogenetic protein receptor type 1A; plus strand). Cytogenetic location: 10q23.2.
Variant type: single nucleotide variant.
Coding change: c.603A>G on transcript NM_004329.3 (MANE Select); coding-DNA position 603, A replaced by G.
Protein change: p.Pro201=; no amino-acid change (proline 201 retained).
Molecular consequence: synonymous variant.
Genome position (GRCh38, 1-based): chr10:86,912,312, A>G. VCF-style: chr10-86912312-A-G. GRCh37 (hg19) VCF-style: chr10-88672069-A-G.
Identifiers: ClinVar variation 1330036 (VCV001330036.9), dbSNP rs2133545231, ClinGen allele CA470307656.